The following is an entry in ClinVar:

ClinVar aggregate classification (germline): Uncertain significance (1 of 4 stars; one submission).

gnomAD v4.1: 5 of 1,603,128 alleles (0.00031%); highest among the groups gnomAD compares: Non-Finnish European, 0.00017%; no homozygotes.

Submission:

Ambry Genetics
Classification: Uncertain significance. Last evaluated: 2025-10-10. Review status: criteria provided, single submitter. Criteria: Ambry Variant Classification Scheme 2023. Collection method: clinical testing. Allele origin: germline.
Comment: The p.G1419A variant (also known as c.4256G>C), located in coding exon 19 of the WNK2 gene, results from a G to C substitution at nucleotide position 4256. The glycine at codon 1419 is replaced by alanine, an amino acid with similar properties. This amino acid position is conserved. In addition, this alteration is predicted to be tolerated by in silico analysis. Based on the available evidence, the clinical significance of this variant remains unclear.

NM_006648.4(WNK2):c.4256G>C (p.Gly1419Ala)

Gene: WNK2 (WNK lysine deficient protein kinase 2; plus strand). Cytogenetic location: 9q22.31.
Variant type: single nucleotide variant.
Coding change: c.4256G>C on transcript NM_006648.4 (MANE Select); coding-DNA position 4256, G replaced by C.
Protein change: p.Gly1419Ala; replaces glycine 1419 with alanine.
Molecular consequence: missense variant.
Genome position (GRCh38, 1-based): chr9:93,289,010, G>C. VCF-style: chr9-93289010-G-C. GRCh37 (hg19) VCF-style: chr9-96051292-G-C.
Other names: c.4367G>C, p.Gly1456Ala (NM_001282394.3); short protein forms G1456A, G1419A.
Identifiers: ClinVar variation 4605238 (VCV004605238.1).